The following is an entry in ClinVar:

ClinVar aggregate classification (germline): Uncertain significance (1 of 4 stars; one submission).

Conditions:
Idiopathic generalized epilepsy. Also called: EIG; Generalised epilepsy. Identifiers: MedGen C0270850, MONDO:0005579, OMIM 600669.
Epilepsy, idiopathic generalized, susceptibility to, 13. Also called: EPILEPSY, JUVENILE MYOCLONIC, SUSCEPTIBILITY TO, 5. Identifiers: Orphanet 307, Orphanet 64280, MedGen C4013473, MONDO:0012627, OMIM 611136.
Epilepsy, childhood absence 4 (ECA4). Also called: EPILEPSY, CHILDHOOD ABSENCE, SUSCEPTIBILITY TO, 4. Identifiers: Orphanet 307, MedGen C1970160.

Submission:

Labcorp Genetics (formerly Invitae), Labcorp
Classification: Uncertain significance for Epilepsy, childhood absence 4; Epilepsy, idiopathic generalized, susceptibility to, 13; Idiopathic generalized epilepsy. Last evaluated: 2018-03-15. Review status: criteria provided, single submitter. Criteria: Invitae Variant Classification Sherloc (09022015). Collection method: clinical testing. Allele origin: germline.
Comment: This sequence change replaces methionine with leucine at codon 263 of the GABRA1 protein (p.Met263Leu). The methionine residue is highly conserved and there is a small physicochemical difference between methionine and leucine. This variant is not present in population databases (ExAC no frequency). This variant has not been reported in the literature in individuals with GABRA1-related disease. Algorithms developed to predict the effect of missense changes on protein structure and function (SIFT, PolyPhen-2, Align-GVGD) all suggest that this variant is likely to be tolerated, but these predictions have not been confirmed by published functional studies and their clinical significance is uncertain. A different missense substitution at this codon (p.Met263Ile) has been determined to be pathogenic (PMID: 28864462, 26918889). This suggests that the methionine residue is critical for GABRA1 protein function and that other missense substitutions at this position may also be pathogenic. In summary, the available evidence is currently insufficient to determine the role of this variant in disease. Therefore, it has been classified as a Variant of Uncertain Significance.

Literature cited by the submitters: PubMed 28864462; PubMed 26918889.

NM_001127644.2(GABRA1):c.787A>T (p.Met263Leu)

Gene: GABRA1 (gamma-aminobutyric acid type A receptor subunit alpha1; plus strand). Cytogenetic location: 5q34.
Variant type: single nucleotide variant.
Coding change: c.787A>T on transcript NM_001127644.2 (MANE Select); coding-DNA position 787, A replaced by T.
Protein change: p.Met263Leu; replaces methionine 263 with leucine.
Molecular consequence: missense variant.
Genome position (GRCh38, 1-based): chr5:161,890,981, A>T. VCF-style: chr5-161890981-A-T. GRCh37 (hg19) VCF-style: chr5-161317987-A-T.
Other names: c.787A>T, p.Met263Leu (NM_000806.5, NM_001127643.2, NM_001127645.2 and 1 more transcripts); short protein forms M263L.
Identifiers: ClinVar variation 565880 (VCV000565880.8), dbSNP rs1561584736, ClinGen allele CA16602184.